The following is an entry in ClinVar:

NM_014806.5(RUSC2):c.834T>A (p.Asp278Glu)

Gene: RUSC2 (RUN and SH3 domain containing 2; plus strand). Cytogenetic location: 9p13.3.
Variant type: single nucleotide variant.
Coding change: c.834T>A on transcript NM_014806.5 (MANE Select); coding-DNA position 834, T replaced by A.
Protein change: p.Asp278Glu; replaces aspartic acid 278 with glutamic acid.
Molecular consequence: missense variant. On other transcripts: non-coding transcript variant (1), intron variant (1).
Genome position (GRCh38, 1-based): chr9:35,547,355, T>A. VCF-style: chr9-35547355-T-A. GRCh37 (hg19) VCF-style: chr9-35547352-T-A.
Other names: c.834T>A, p.Asp278Glu (NM_001135999.2); c.-620-7705T>A (NM_001330740.2); short protein forms D278E.
Identifiers: ClinVar variation 2118567 (VCV002118567.4), dbSNP rs767216344, ClinGen allele CA5043540.
Genomic context (GRCh38, chr9:35,547,355, plus strand): 5'-GTCCGAGGCAGCTGACCAGTCCATGGGCTATGTGAGCGACTCCTCCTGCAACAGTTCAGA[T>A]GGTGTGCTGGTCACCTTCAGCACCCTCTACAACAAGATGCATGGCACCCCCCGTGCCAAT-3'
Protein context (NP_055621.2, residues 268-288): YVSDSSCNSS[Asp278Glu]GVLVTFSTLY

ClinVar aggregate classification (germline): Uncertain significance (1 of 4 stars; one submission).

Allele frequency attached by ClinVar (database versions not stated): ExAC 0.00001.
gnomAD v4.1: 14 of 1,614,172 alleles (0.00087%); highest among the groups gnomAD compares: Non-Finnish European, 0.0012%; no homozygotes.

Submission:

Labcorp Genetics (formerly Invitae), Labcorp
Classification: Uncertain significance. Last evaluated: 2024-09-05. Review status: criteria provided, single submitter. Criteria: Invitae Variant Classification Sherloc (09022015). Collection method: clinical testing. Allele origin: germline.
Comment: This sequence change replaces aspartic acid, which is acidic and polar, with glutamic acid, which is acidic and polar, at codon 278 of the RUSC2 protein (p.Asp278Glu). This variant is present in population databases (rs767216344, gnomAD 0.0009%). This variant has not been reported in the literature in individuals affected with RUSC2-related conditions. ClinVar contains an entry for this variant (Variation ID: 2118567). An algorithm developed to predict the effect of missense changes on protein structure and function outputs the following: PolyPhen-2: "Benign". The glutamic acid amino acid residue is found in multiple mammalian species, which suggests that this missense change does not adversely affect protein function. In summary, the available evidence is currently insufficient to determine the role of this variant in disease. Therefore, it has been classified as a Variant of Uncertain Significance.